The following is an entry in ClinVar:

ClinVar aggregate classification (germline): Pathogenic. Review status: criteria provided, multiple submitters, no conflicts (2 of 4 stars). 3 submissions from 3 submitters: Pathogenic (3). Last evaluated 2026-04-12.

Conditions:
Fetal anomalies with a likely genetic cause.
Donnai-Barrow syndrome. Also called: DBS/FOAR SYNDROME; FACIOOCULOACOUSTICORENAL SYNDROME. Identifiers: Orphanet 2143, MedGen C1857277, MONDO:0009104, OMIM 222448.

Allele frequency attached by ClinVar (database versions not stated): gnomAD exomes below 0.00001.
gnomAD v4.1: 1 of 1,613,900 alleles (0.000062%); highest among the groups gnomAD compares: Non-Finnish European, 0.000085%; no homozygotes.

Submissions (3):

Genetics Laboratory, Great Ormond Street Hospital NHS Foundation Trust, North Thames Genomic Laboratory Hub
Classification: Pathogenic for Fetal anomalies with a likely genetic cause. Last evaluated: 2026-04-12. Review status: criteria provided, single submitter. Criteria: ACGS Best Practice Guidelines for Variant Classification in Rare Disease 2024 v1.2. Collection method: clinical testing. Allele origin: germline. Affected: yes.
Comment: PM2_moderate, PVS1_very-strong

Myriad Genetics, Inc.
Classification: Pathogenic for Donnai-Barrow syndrome. Last evaluated: 2025-09-07. Review status: criteria provided, single submitter. Criteria: Myriad Autosomal Dominant, Autosomal Recessive and X-Linked Classification Criteria (2023). Collection method: clinical testing. Allele origin: unknown.
Comment: NM_004525.2(LRP2):c.697C>T(R233*) is expected to be pathogenic in the context of Donnai-Barrow syndrome. This variant is predicted to lead to an abnormal or absent protein product due to the creation of a premature termination codon in LRP2, a gene where loss-of-function variants are known to be pathogenic. Please note: this variant was assessed in the context of healthy population screening.

Labcorp Genetics (formerly Invitae), Labcorp
Classification: Pathogenic. Last evaluated: 2023-07-10. Review status: criteria provided, single submitter. Criteria: Invitae Variant Classification Sherloc (09022015). Collection method: clinical testing. Allele origin: germline.
Comment: For these reasons, this variant has been classified as Pathogenic. This variant has not been reported in the literature in individuals affected with LRP2-related conditions. This variant is present in population databases (no rsID available, gnomAD 0.0009%). This sequence change creates a premature translational stop signal (p.Arg233*) in the LRP2 gene. It is expected to result in an absent or disrupted protein product. Loss-of-function variants in LRP2 are known to be pathogenic (PMID: 17632512, 25682901).

Literature cited by the submitters: PubMed 17632512 (cited by Labcorp Genetics (formerly Invitae), Labcorp); PubMed 25682901 (cited by Labcorp Genetics (formerly Invitae), Labcorp).

NM_004525.3(LRP2):c.697C>T (p.Arg233Ter)

Gene: LRP2 (LDL receptor related protein 2; minus strand). Cytogenetic location: 2q31.1.
Variant type: single nucleotide variant.
Coding change: c.697C>T on transcript NM_004525.3 (MANE Select); coding-DNA position 697, C replaced by T.
Protein change: p.Arg233Ter; replaces arginine 233 with a stop codon.
Molecular consequence: nonsense.
Genome position (GRCh38, 1-based): chr2:169,292,325, G>A on the plus strand (C>T on the coding strand, the complement: LRP2 is on the minus strand). VCF-style: chr2-169292325-G-A. GRCh37 (hg19) VCF-style: chr2-170148835-G-A.
Other names: short protein forms R233*.
Identifiers: ClinVar variation 2740386 (VCV002740386.5), dbSNP rs1230676326, ClinGen allele CA349160156.
Genomic context (GRCh38, chr2:169,292,325, plus strand): 5'-CATCTCCATTATCTTTACAGTCATCTTCTCCATCACAAACCCAGTTTTGATAAATGCATC[G>A]GCCACTGGGGCAAGTGAACTGGTAACCACCGCAGGTCGGATAGTCTGGAATAAAGCAACA-3'